The following is an entry in ClinVar:

ClinVar aggregate classification (germline): Uncertain significance. Review status: criteria provided, multiple submitters, no conflicts (2 of 4 stars). 3 submissions from 3 submitters: Uncertain significance (3). Last evaluated 2025-06-18.

Conditions:
Retinitis pigmentosa (RP). Identifiers: Orphanet 791, MedGen C0035334, MeSH D012174, MONDO:0019200, OMIM 268000. Inheritance: Autosomal dominant, autosomal recessive and X linked inheritance.

Allele frequency attached by ClinVar (database versions not stated): gnomAD exomes below 0.00001 and 0.00003; gnomAD 0.00003; TOPMed 0.00006.
gnomAD v4.1: 49 of 1,613,736 alleles (0.003%); highest among the groups gnomAD compares: African/African-American, 0.0053%; no homozygotes.

Submissions (3):

Labcorp Genetics (formerly Invitae), Labcorp
Classification: Uncertain significance. Last evaluated: 2025-06-18. Review status: criteria provided, single submitter. Criteria: Invitae Variant Classification Sherloc (09022015). Collection method: clinical testing. Allele origin: germline.
Comment: This sequence change replaces glycine, which is neutral and non-polar, with glutamic acid, which is acidic and polar, at codon 77 of the ROM1 protein (p.Gly77Glu). This variant is present in population databases (no rsID available, gnomAD 0.002%). This variant has not been reported in the literature in individuals affected with ROM1-related conditions. ClinVar contains an entry for this variant (Variation ID: 878784). Invitae Evidence Modeling of protein sequence and biophysical properties (such as structural, functional, and spatial information, amino acid conservation, physicochemical variation, residue mobility, and thermodynamic stability) indicates that this missense variant is not expected to disrupt ROM1 protein function with a negative predictive value of 80%. In summary, the available evidence is currently insufficient to determine the role of this variant in disease. Therefore, it has been classified as a Variant of Uncertain Significance.

Ambry Genetics
Classification: Uncertain significance. Last evaluated: 2022-11-01. Review status: criteria provided, single submitter. Criteria: Ambry Variant Classification Scheme 2023. Collection method: clinical testing. Allele origin: germline.

Illumina Laboratory Services, Illumina
Classification: Uncertain significance for Retinitis pigmentosa. Last evaluated: 2017-04-27. Review status: criteria provided, single submitter. Criteria: ICSL Variant Classification Criteria 13 December 2019. Collection method: clinical testing. Allele origin: germline.

NM_000327.4(ROM1):c.230G>A (p.Gly77Glu)

Gene: ROM1 (retinal outer segment membrane protein 1; plus strand). Cytogenetic location: 11q12.3.
Variant type: single nucleotide variant.
Coding change: c.230G>A on transcript NM_000327.4 (MANE Select); coding-DNA position 230, G replaced by A.
Protein change: p.Gly77Glu; replaces glycine 77 with glutamic acid.
Molecular consequence: missense variant.
Genome position (GRCh38, 1-based): chr11:62,613,511, G>A. VCF-style: chr11-62613511-G-A. GRCh37 (hg19) VCF-style: chr11-62380983-G-A.
Other names: short protein forms G77E.
Identifiers: ClinVar variation 878784 (VCV000878784.13), dbSNP rs1036187889, ClinGen allele CA223034383.